The following is an entry in ClinVar:

NM_001429.4(EP300):c.638G>A (p.Gly213Glu)

Gene: EP300 (E1A binding protein p300; plus strand). Cytogenetic location: 22q13.2.
Variant type: single nucleotide variant.
Coding change: c.638G>A on transcript NM_001429.4 (MANE Select); coding-DNA position 638, G replaced by A.
Protein change: p.Gly213Glu; replaces glycine 213 with glutamic acid.
Molecular consequence: missense variant.
Genome position (GRCh38, 1-based): chr22:41,117,730, G>A. VCF-style: chr22-41117730-G-A. GRCh37 (hg19) VCF-style: chr22-41513734-G-A.
Other names: c.638G>A, p.Gly213Glu (NM_001362843.2); short protein forms G213E.
Identifiers: ClinVar variation 3359417 (VCV003359417.1).

ClinVar aggregate classification (germline): Uncertain significance (1 of 4 stars; one submission).

gnomAD v4.1: 3 of 1,614,250 alleles (0.00019%); highest among the groups gnomAD compares: Non-Finnish European, 0.00025%; no homozygotes.

Submission:

GeneDx
Classification: Uncertain significance. Last evaluated: 2023-06-08. Review status: criteria provided, single submitter. Criteria: GeneDx Variant Classification Process June 2021. Collection method: clinical testing. Allele origin: germline. Affected: yes.
Comment: Not observed at significant frequency in large population cohorts (gnomAD); In silico analysis supports that this missense variant has a deleterious effect on protein structure/function; Has not been previously published as pathogenic or benign to our knowledge